The following is an entry in ClinVar:

ClinVar aggregate classification (germline): Conflicting classifications of pathogenicity. Review status: criteria provided, conflicting classifications (1 of 4 stars). 5 submissions from 5 submitters: Uncertain significance (2); Benign (1); Likely benign (2). Last evaluated 2026-02-03.

Conditions:
Developmental and epileptic encephalopathy, 30 (DEE30). Also called: Epileptic encephalopathy, early infantile, 30. Identifiers: MedGen C4225360, MONDO:0014595, OMIM 616341.
Inborn genetic diseases. Identifiers: MedGen C0950123, MeSH D030342.

Allele frequency attached by ClinVar (database versions not stated): ExAC below 0.00001; gnomAD exomes 0.00002; TOPMed 0.00004.

Submissions (5):

Labcorp Genetics (formerly Invitae), Labcorp
Classification: Likely benign for Developmental and epileptic encephalopathy, 30. Last evaluated: 2026-02-03. Review status: criteria provided, single submitter. Criteria: Invitae Variant Classification Sherloc (09022015). Collection method: clinical testing. Allele origin: germline.

Ambry Genetics
Classification: Uncertain significance for Inborn genetic diseases. Last evaluated: 2025-10-02. Review status: criteria provided, single submitter. Criteria: Ambry Variant Classification Scheme 2023. Collection method: clinical testing. Allele origin: germline.

CeGaT Center for Human Genetics Tuebingen
Classification: Benign. Last evaluated: 2025-02-01. Review status: criteria provided, single submitter. Criteria: CeGaT Center For Human Genetics Tuebingen Variant Classification Criteria Version 2. Collection method: clinical testing. Allele origin: germline. Affected: yes. Observed: 2 variant alleles.
Comment: SIK1: BS1, BS2

Blueprint Genetics
Classification: Likely benign. Last evaluated: 2024-09-25. Review status: criteria provided, single submitter. Criteria: ACMG Guidelines, 2015. Collection method: clinical testing. Allele origin: germline.

Baylor Genetics
Classification: Uncertain significance for Developmental and epileptic encephalopathy, 30. Last evaluated: 2019-12-11. Review status: criteria provided, single submitter. Criteria: ACMG Guidelines, 2015. Collection method: clinical testing. Allele origin: unknown. Affected: yes.
Comment: This variant was determined to be of uncertain significance according to ACMG Guidelines, 2015 [PMID:25741868].

NM_173354.5(SIK1):c.2034G>T (p.Gln678His)

Gene: SIK1 (salt inducible kinase 1; minus strand). Cytogenetic location: 21q22.3.
Variant type: single nucleotide variant.
Coding change: c.2034G>T on transcript NM_173354.5 (MANE Select); coding-DNA position 2034, G replaced by T.
Protein change: p.Gln678His; replaces glutamine 678 with histidine.
Molecular consequence: missense variant.
Genome position (GRCh38, 1-based): chr21:43,417,060, C>A on the plus strand (G>T on the coding strand, the complement: SIK1 is on the minus strand). VCF-style: chr21-43417060-C-A. GRCh37 (hg19) VCF-style: chr21-44836940-C-A.
Other names: short protein forms Q678H.
Identifiers: ClinVar variation 833546 (VCV000833546.46), dbSNP rs775749558, ClinGen allele CA321324524.
Genomic context (GRCh38, chr21:43,417,060, plus strand): 5'-GGGGAGCGGGGCAGCCCCAGGGCCATCACAGGGGGCGATCACAAACGGGGCAGGGGCCGG[C>A]TGGGGGGCCTGGGAGCAGCCGGGTGCAGCGGCCGGGTGGTGCTGTAACTGGAGCAGCCTG-3'
Protein context (NP_775490.2, residues 668-688): AAAPGCSQAP[Gln678His]PAPAPFVIAP